The following is an entry in ClinVar:

NM_000059.4(BRCA2):c.4742_4743insTG (p.Glu1581fs)

Gene: BRCA2 (BRCA2 DNA repair associated; plus strand). Cytogenetic location: 13q13.1.
Variant type: Insertion.
Coding change: c.4742_4743insTG on transcript NM_000059.4 (MANE Select); coding-DNA positions 4742 to 4743, TG inserted.
Protein change: p.Glu1581fs; shifts the reading frame from glutamic acid 1581.
Molecular consequence: frameshift variant.
Genome position: GRCh38 VCF-style: chr13-32339097-A-ATG. GRCh37 (hg19) VCF-style: chr13-32913234-A-ATG.
Other names: 4970insTG; short protein forms E1581fs.
Identifiers: ClinVar variation 51707 (VCV000051707.4), dbSNP rs276174847, ClinGen allele CA020745.
Genomic context (GRCh38, chr13:32,339,097, plus strand): 5'-ATCAATGGGCAAAGACCCTAAAGTACAGAGAGGCCTGTAAAGACCTTGAATTAGCATGTG[A>ATG]GACCATTGAGATCACAGCTGCCCCAAAGTGTAAAGAAATGCAGAATTCTCTCAATAATGA-3'

ClinVar aggregate classification (germline): Pathogenic. Review status: reviewed by expert panel (3 of 4 stars). 2 submissions from 2 submitters: Pathogenic (1). 1 of the submissions does not count toward it. Last evaluated 2016-09-08.

Conditions:
Breast-ovarian cancer, familial, susceptibility to, 2 (BROVCA2). Also called: BRCA2 Hereditary Breast and Ovarian Cancer. Identifiers: Orphanet 145, MedGen C2675520, MONDO:0012933, OMIM 612555. Disease mechanism: loss of function.

Submissions (2):

Evidence-based Network for the Interpretation of Germline Mutant Alleles (ENIGMA)
Classification: Pathogenic for Breast-ovarian cancer, familial, susceptibility to, 2. Last evaluated: 2016-09-08. Review status: reviewed by expert panel. Criteria: ENIGMA BRCA1/2 Classification Criteria (2015). Collection method: curation. Allele origin: germline.
Comment: Variant allele predicted to encode a truncated non-functional protein.

Breast Cancer Information Core (BIC) (BRCA2)
Classification: Pathogenic for Breast-ovarian cancer, familial 2. Last evaluated: 2005-01-26. Review status: no assertion criteria provided. Collection method: clinical testing. Allele origin: germline. Affected: yes. Observed: 1 variant allele. Not counted in ClinVar's aggregate classification.